The following is an entry in ClinVar:

ClinVar aggregate classification (germline): Uncertain significance. Review status: criteria provided, multiple submitters, no conflicts (2 of 4 stars). 3 submissions from 3 submitters: Uncertain significance (3). Last evaluated 2025-08-28.

Conditions:
Cardiovascular phenotype. Identifiers: MedGen CN230736.

Allele frequency attached by ClinVar (database versions not stated): gnomAD 0.00001; TOPMed 0.00002.
gnomAD v4.1: 23 of 1,613,650 alleles (0.0014%); highest among the groups gnomAD compares: East Asian, 0.0022%; no homozygotes.

Submissions (3):

Ambry Genetics
Classification: Uncertain significance for Cardiovascular phenotype. Last evaluated: 2025-08-28. Review status: criteria provided, single submitter. Criteria: Ambry Variant Classification Scheme 2023. Collection method: clinical testing. Allele origin: germline.
Comment: The p.V85I variant (also known as c.253G>A), located in coding exon 3 of the PRDM5 gene, results from a G to A substitution at nucleotide position 253. The valine at codon 85 is replaced by isoleucine, an amino acid with highly similar properties. This amino acid position is highly conserved in available vertebrate species. In addition, the in silico prediction for this alteration is inconclusive. Since supporting evidence is limited at this time, the clinical significance of this alteration remains unclear.

Women's Health and Genetics/Laboratory Corporation of America, LabCorp
Classification: Uncertain significance. Last evaluated: 2025-04-21. Review status: criteria provided, single submitter. Criteria: LabCorp Variant Classification Summary - May 2015. Collection method: clinical testing. Allele origin: germline.
Comment: Variant summary: PRDM5 c.253G>A (p.Val85Ile) results in a conservative amino acid change in the encoded protein sequence. Three of five in-silico tools predict a benign effect of the variant on protein function. The variant allele was found at a frequency of 8e-06 in 251288 control chromosomes (gnomAD). The available data on variant occurrences in the general population are insufficient to allow any conclusion about variant significance. To our knowledge, no occurrence of c.253G>A in individuals affected with Brittle cornea syndrome 2 and no experimental evidence demonstrating its impact on protein function have been reported. ClinVar contains an entry for this variant (Variation ID: 1792805). Based on the evidence outlined above, the variant was classified as uncertain significance.

GeneDx
Classification: Uncertain significance. Last evaluated: 2024-04-30. Review status: criteria provided, single submitter. Criteria: GeneDx Variant Classification Process June 2021. Collection method: clinical testing. Allele origin: germline. Affected: yes.
Comment: Not observed at significant frequency in large population cohorts (gnomAD); In silico analysis indicates that this missense variant does not alter protein structure/function; Has not been previously published as pathogenic or benign to our knowledge

NM_018699.4(PRDM5):c.253G>A (p.Val85Ile)

Gene: PRDM5 (PR/SET domain 5; minus strand). Cytogenetic location: 4q27.
Variant type: single nucleotide variant.
Coding change: c.253G>A on transcript NM_018699.4 (MANE Select); coding-DNA position 253, G replaced by A.
Protein change: p.Val85Ile; replaces valine 85 with isoleucine.
Molecular consequence: missense variant.
Genome position (GRCh38, 1-based): chr4:120,853,465, C>T on the plus strand (G>A on the coding strand, the complement: PRDM5 is on the minus strand). VCF-style: chr4-120853465-C-T. GRCh37 (hg19) VCF-style: chr4-121774620-C-T.
Other names: c.253G>A, p.Val85Ile (NM_001300823.2, NM_001300824.2, NM_001379104.1 and 1 more transcripts); short protein forms V85I.
Identifiers: ClinVar variation 1792805 (VCV001792805.7), dbSNP rs770813235, ClinGen allele CA3061443.